The following is an entry in ClinVar:

ClinVar aggregate classification (germline): Uncertain significance. Review status: criteria provided, multiple submitters, no conflicts (2 of 4 stars). 4 submissions from 3 submitters: Uncertain significance (4). Last evaluated 2025-04-14.

Conditions:
Cardiovascular phenotype. Identifiers: MedGen CN230736.
Familial hypobetalipoproteinemia 1. Also called: APOB-Related Familial Hypobetalipoproteinemia; Hypobetalipoproteinemia, normotriglyceridemic; Acanthocytosis with hypobetalipoproteinemia. Identifiers: MedGen C4551990, MONDO:0014252, OMIM 615558.
Hypercholesterolemia, autosomal dominant, type B (FHCL2). Also called: Hyperlipoproteinemia Type IIb; APOLIPOPROTEIN B-100, FAMILIAL DEFECTIVE; APOLIPOPROTEIN B-100, FAMILIAL LIGAND-DEFECTIVE; HYPERCHOLESTEROLEMIA, FAMILIAL, DUE TO LIGAND-DEFECTIVE APOLIPOPROTEIN B; APOB-Related Familial Hypercholesterolemia, Autosomal Dominant; Familial Hypercholesterolemia Type B. Identifiers: MedGen C1704417, MONDO:0007751, OMIM 144010.

gnomAD v4.1: 4 of 1,614,052 alleles (0.00025%); highest among the groups gnomAD compares: Non-Finnish European, 0.00017%; no homozygotes.

Submissions (4):

Ambry Genetics
Classification: Uncertain significance for Cardiovascular phenotype. Last evaluated: 2025-04-14. Review status: criteria provided, single submitter. Criteria: Ambry Variant Classification Scheme 2023. Collection method: clinical testing. Allele origin: germline.

Labcorp Genetics (formerly Invitae), Labcorp
Classification: Uncertain significance for Familial hypobetalipoproteinemia 1; Hypercholesterolemia, autosomal dominant, type B. Last evaluated: 2022-10-26. Review status: criteria provided, single submitter. Criteria: Invitae Variant Classification Sherloc (09022015). Collection method: clinical testing. Allele origin: germline.
Comment: This sequence change replaces threonine, which is neutral and polar, with alanine, which is neutral and non-polar, at codon 3296 of the APOB protein (p.Thr3296Ala). This variant is present in population databases (no rsID available, gnomAD 0.002%). This variant has not been reported in the literature in individuals affected with APOB-related conditions. ClinVar contains an entry for this variant (Variation ID: 897106). Advanced modeling of protein sequence and biophysical properties (such as structural, functional, and spatial information, amino acid conservation, physicochemical variation, residue mobility, and thermodynamic stability) performed at Invitae indicates that this missense variant is not expected to disrupt APOB protein function. In summary, the available evidence is currently insufficient to determine the role of this variant in disease. Therefore, it has been classified as a Variant of Uncertain Significance.

Illumina Laboratory Services, Illumina
Classification: Uncertain significance for Familial hypobetalipoproteinemia 1. Last evaluated: 2018-01-13. Review status: criteria provided, single submitter. Criteria: ICSL Variant Classification Criteria 13 December 2019. Collection method: clinical testing. Allele origin: germline.

Illumina Laboratory Services, Illumina
Classification: Uncertain significance for Hypercholesterolemia, autosomal dominant, type B. Last evaluated: 2018-01-13. Review status: criteria provided, single submitter. Criteria: ICSL Variant Classification Criteria 13 December 2019. Collection method: clinical testing. Allele origin: germline.

NM_000384.3(APOB):c.9886A>G (p.Thr3296Ala)

Gene: APOB (apolipoprotein B; minus strand). Cytogenetic location: 2p24.1.
Variant type: single nucleotide variant.
Coding change: c.9886A>G on transcript NM_000384.3 (MANE Select); coding-DNA position 9886, A replaced by G.
Protein change: p.Thr3296Ala; replaces threonine 3296 with alanine.
Molecular consequence: missense variant.
Genome position (GRCh38, 1-based): chr2:21,006,982, T>C on the plus strand (A>G on the coding strand, the complement: APOB is on the minus strand). VCF-style: chr2-21006982-T-C. GRCh37 (hg19) VCF-style: chr2-21229854-T-C.
Other names: short protein forms T3296A.
Identifiers: ClinVar variation 897106 (VCV000897106.6), dbSNP rs746574336, ClinGen allele CA345988330.